The following is an entry in ClinVar:

NM_016580.4(PCDH12):c.2437C>T (p.Gln813Ter)

Genes: PCDH12 (protocadherin 12; minus strand), RNF14 (ring finger protein 14; plus strand). Cytogenetic location: 5q31.3.
Variant type: single nucleotide variant.
Coding change: c.2437C>T on transcript NM_016580.4 (MANE Select); coding-DNA position 2437, C replaced by T.
Protein change: p.Gln813Ter; replaces glutamine 813 with a stop codon.
Molecular consequence: nonsense.
Genome position (GRCh38, 1-based): chr5:141,955,415, G>A on the plus strand (C>T on the coding strand, the complement: PCDH12 is on the minus strand). VCF-style: chr5-141955415-G-A. GRCh37 (hg19) VCF-style: chr5-141334980-G-A.
Other names: short protein forms Q813*.
Identifiers: ClinVar variation 5006849 (VCV005006849.2).
Genomic context (GRCh38, chr5:141,955,415, plus strand): 5'-CCTGGTTGCCTTGATTACGCAGCGTCCTGTACAGGGTCGGGGTGAGGTGGAAGGGGGCCT[G>A]CAGGCAGGGGTCCCAGCCTGCTTCCATCATCGCCTCCTTGTCCACATCTTTGTGGGACTG-3'

ClinVar aggregate classification (germline): Likely pathogenic (1 of 4 stars; one submission).

Conditions:
Diencephalic-mesencephalic junction dysplasia syndrome 1 (DMJDS1). Also called: Microcephaly with spastic quadriplegia. Identifiers: MedGen C4538630, MONDO:0009625, OMIM 251280.

Submission:

Juno Genomics, Hangzhou Juno Genomics, Inc
Classification: Likely pathogenic for Diencephalic-mesencephalic junction dysplasia syndrome 1. Review status: criteria provided, single submitter. Criteria: ACMG Guidelines, 2015. Collection method: clinical testing. Allele origin: germline.
Comment: Null variant in a gene where loss of function (LOF) is a known mechanism of disease.;Absent from controls (or at extremely low frequency if recessive) in Genome Aggregation Database.